The following is an entry in ClinVar:

ClinVar aggregate classification (germline): Uncertain significance (1 of 4 stars; one submission).

Conditions:
Familial thoracic aortic aneurysm and aortic dissection (TAAD). Also called: Thoracic aortic aneurysms and dissections. Identifiers: Orphanet 91387, MedGen C4707243, MONDO:0019625.

Submission:

Ambry Genetics
Classification: Uncertain significance for Familial thoracic aortic aneurysm and aortic dissection. Last evaluated: 2025-11-10. Review status: criteria provided, single submitter. Criteria: Ambry Variant Classification Scheme 2023. Collection method: clinical testing. Allele origin: germline.
Comment: The p.N241H variant (also known as c.721A>C), located in coding exon 4 of the TGFB2 gene, results from an A to C substitution at nucleotide position 721. The asparagine at codon 241 is replaced by histidine, an amino acid with similar properties. This amino acid position is conserved. In addition, the in silico prediction for this alteration is inconclusive. Based on the available evidence, the clinical significance of this variant remains unclear.

NM_003238.6(TGFB2):c.721A>C (p.Asn241His)

Gene: TGFB2 (transforming growth factor beta 2; plus strand). Cytogenetic location: 1q41.
Variant type: single nucleotide variant.
Coding change: c.721A>C on transcript NM_003238.6 (MANE Select); coding-DNA position 721, A replaced by C.
Protein change: p.Asn241His; replaces asparagine 241 with histidine.
Molecular consequence: missense variant. On other transcripts: non-coding transcript variant (2).
Genome position (GRCh38, 1-based): chr1:218,434,415, A>C. VCF-style: chr1-218434415-A-C. GRCh37 (hg19) VCF-style: chr1-218607757-A-C.
Other names: c.805A>C, p.Asn269His (NM_001135599.4); short protein forms N241H, N269H.
Identifiers: ClinVar variation 4635572 (VCV004635572.1).
Genomic context (GRCh38, chr1:218,434,415, plus strand): 5'-AAAATAAGCTTACACTGTCCCTGCTGCACTTTTGTACCATCTAATAATTACATCATCCCA[A>C]ATAAAAGTGAAGAACTAGAAGCAAGATTTGCAGGTAACCAAAACTTGGTCATATGAGGTG-3'
Protein context (NP_003229.1, residues 231-251): FVPSNNYIIP[Asn241His]KSEELEARFA